The following is an entry in ClinVar:

NM_000256.3(MYBPC3):c.1298C>G (p.Ala433Gly)

Gene: MYBPC3 (myosin binding protein C3; minus strand). Cytogenetic location: 11p11.2.
Variant type: single nucleotide variant.
Coding change: c.1298C>G on transcript NM_000256.3 (MANE Select); coding-DNA position 1298, C replaced by G.
Protein change: p.Ala433Gly; replaces alanine 433 with glycine.
Molecular consequence: missense variant.
Genome position (GRCh38, 1-based): chr11:47,343,074, G>C on the plus strand (C>G on the coding strand, the complement: MYBPC3 is on the minus strand). VCF-style: chr11-47343074-G-C. GRCh37 (hg19) VCF-style: chr11-47364625-G-C.
Other names: short protein forms A433G.
Identifiers: ClinVar variation 2884034 (VCV002884034.3), dbSNP rs1317056454, ClinGen allele CA380327212.
Genomic context (GRCh38, chr11:47,343,074, plus strand): 5'-GGCCCACCTTTCACAAAGAGCTCCGTGCTACACTTCTCGCCACCCACCACGCACTGGTAG[G>C]CTGCGTCGTCCGCCAATGAGCACTGGCTGATGGTCAGGGTACGCTTGGCACCGATGGACT-3'
Protein context (NP_000247.2, residues 423-443): ISQCSLADDA[Ala433Gly]YQCVVGGEKC

ClinVar aggregate classification (germline): Uncertain significance (1 of 4 stars; one submission).

Conditions:
Hypertrophic cardiomyopathy. Also called: HYPERTROPHIC MYOCARDIOPATHY. Identifiers: Orphanet 217569, MedGen C0007194, MeSH D002312, MONDO:0005045, HP:0001639.

Allele frequency attached by ClinVar (database versions not stated): gnomAD exomes 0.00001.
gnomAD v4.1: 3 of 1,612,416 alleles (0.00019%); highest among the groups gnomAD compares: East Asian, 0.0045%; no homozygotes.

Submission:

Labcorp Genetics (formerly Invitae), Labcorp
Classification: Uncertain significance for Hypertrophic cardiomyopathy. Last evaluated: 2022-12-20. Review status: criteria provided, single submitter. Criteria: Invitae Variant Classification Sherloc (09022015). Collection method: clinical testing. Allele origin: germline.
Comment: This sequence change replaces alanine, which is neutral and non-polar, with glycine, which is neutral and non-polar, at codon 433 of the MYBPC3 protein (p.Ala433Gly). This variant is not present in population databases (gnomAD no frequency). This missense change has been observed in individual(s) with dilated cardiomyopathy (PMID: 30871747). Algorithms developed to predict the effect of missense changes on protein structure and function (SIFT, PolyPhen-2, Align-GVGD) all suggest that this variant is likely to be disruptive. In summary, the available evidence is currently insufficient to determine the role of this variant in disease. Therefore, it has been classified as a Variant of Uncertain Significance.

Literature cited by the submitters: PubMed 30871747.